The following is an entry in ClinVar:

NM_001166108.2(PALLD):c.2669A>G (p.Gln890Arg)

Genes: CBR4 (carbonyl reductase 4; minus strand), PALLD (palladin, cytoskeletal associated protein; plus strand). Cytogenetic location: 4q32.3.
Variant type: single nucleotide variant.
Coding change: c.2669A>G on transcript NM_001166108.2 (MANE Select); coding-DNA position 2669, A replaced by G.
Protein change: p.Gln890Arg; replaces glutamine 890 with arginine.
Molecular consequence: missense variant.
Genome position (GRCh38, 1-based): chr4:168,913,973, A>G. VCF-style: chr4-168913973-A-G. GRCh37 (hg19) VCF-style: chr4-169835124-A-G.
Other names: c.1472A>G, p.Gln491Arg (NM_001166109.2); c.1157A>G, p.Gln386Arg (NM_001166110.2); c.497A>G, p.Gln166Arg (NM_001367567.1, NM_001367569.1); c.548A>G, p.Gln183Arg (NM_001367568.1, NM_001367570.1); c.2618A>G, p.Gln873Arg (NM_016081.4); short protein forms Q386R, Q491R, Q873R, Q166R, Q183R, Q890R.
Identifiers: ClinVar variation 1793880 (VCV001793880.5), dbSNP rs780764400, ClinGen allele CA3135924.

ClinVar aggregate classification (germline): Uncertain significance. Review status: criteria provided, multiple submitters, no conflicts (2 of 4 stars). 2 submissions from 2 submitters: Uncertain significance (2). Last evaluated 2023-12-31.

Conditions:
Pancreatic adenocarcinoma. Identifiers: MedGen C0281361, MONDO:0006047, HP:0006725.

Allele frequency attached by ClinVar (database versions not stated): gnomAD exomes below 0.00001; TOPMed below 0.00001; ExAC 0.00001.
gnomAD v4.1: 4 of 1,613,578 alleles (0.00025%); highest among the groups gnomAD compares: Non-Finnish European, 0.00025%; no homozygotes.

Submissions (2):

Labcorp Genetics (formerly Invitae), Labcorp
Classification: Uncertain significance for Pancreatic adenocarcinoma. Last evaluated: 2023-12-31. Review status: criteria provided, single submitter. Criteria: Invitae Variant Classification Sherloc (09022015). Collection method: clinical testing. Allele origin: germline.
Comment: This sequence change replaces glutamine, which is neutral and polar, with arginine, which is basic and polar, at codon 386 of the PALLD protein (p.Gln386Arg). This variant is present in population databases (rs780764400, gnomAD no frequency). This variant has not been reported in the literature in individuals affected with PALLD-related conditions. ClinVar contains an entry for this variant (Variation ID: 1793880). An algorithm developed to predict the effect of missense changes on protein structure and function (PolyPhen-2) suggests that this variant is likely to be tolerated. In summary, the available evidence is currently insufficient to determine the role of this variant in disease. Therefore, it has been classified as a Variant of Uncertain Significance.

Ambry Genetics
Classification: Uncertain significance. Last evaluated: 2023-10-02. Review status: criteria provided, single submitter. Criteria: Ambry Variant Classification Scheme 2023. Collection method: clinical testing. Allele origin: germline.
Comment: The p.Q873R variant (also known as c.2618A>G), located in coding exon 14 of the PALLD gene, results from an A to G substitution at nucleotide position 2618. The glutamine at codon 873 is replaced by arginine, an amino acid with highly similar properties. This amino acid position is conserved. In addition, the in silico prediction for this alteration is inconclusive. Since supporting evidence is limited at this time, the clinical significance of this alteration remains unclear.